The following is an entry in ClinVar:

ClinVar aggregate classification (germline): Likely pathogenic (1 of 4 stars; one submission).

Conditions:
Autosomal recessive polycystic kidney disease (ARPKD). Also called: AR polycystic kidney disease. Identifiers: Orphanet 731, Orphanet 8378, MedGen C0085548, MeSH D017044, MONDO:0009889.

Submission:

Natera, Inc.
Classification: Likely pathogenic for Autosomal recessive polycystic kidney disease. Last evaluated: 2024-08-25. Review status: criteria provided, single submitter. Criteria: Natera Variant Classification Schema (03/2026). Collection method: clinical testing. Allele origin: germline.
Comment: The c.1211G>A variant in PKHD1 is a nonsense variant predicted to introduce a stop codon at amino acid 404. This variant is expected to result in nonsense mediated decay, truncation, or a dysfunctional protein product. This variant is rare in the general population with a frequency below the threshold expected for the associated phenotype(s). Given the available evidence, this variant is classified as Likely Pathogenic.

NM_138694.4(PKHD1):c.1211G>A (p.Trp404Ter)

Gene: PKHD1 (PKHD1 ciliary IPT domain containing fibrocystin/polyductin; minus strand). Cytogenetic location: 6p12.2.
Variant type: single nucleotide variant.
Coding change: c.1211G>A on transcript NM_138694.4 (MANE Select); coding-DNA position 1211, G replaced by A.
Protein change: p.Trp404Ter; replaces tryptophan 404 with a stop codon.
Molecular consequence: nonsense.
Genome position (GRCh38, 1-based): chr6:52,059,950, C>T on the plus strand (G>A on the coding strand, the complement: PKHD1 is on the minus strand). VCF-style: chr6-52059950-C-T. GRCh37 (hg19) VCF-style: chr6-51924748-C-T.
Other names: c.1211G>A, p.Trp404Ter (NM_170724.3); short protein forms W404*.
Identifiers: ClinVar variation 4816570 (VCV004816570.1).
Genomic context (GRCh38, chr6:52,059,950, plus strand): 5'-GGCAACAGAGAAAAGGAAAATGAGAAGACAGTGAATACCTTAGTCCTTGGTTCCTCTGAC[C>T]AACTGAAATGCAAGGAAGCTTGGCTATCTGCCTGAATCCAGAAAGTGTAATTATTTGTCT-3'